The following is an entry in ClinVar:

ClinVar aggregate classification (germline): Uncertain significance (1 of 4 stars; one submission).

Conditions:
Familial cancer of breast. Also called: BREAST CANCER, FAMILIAL; Hereditary breast cancer; hereditary breast carcinoma. Identifiers: Orphanet 227535, MedGen C0346153, MONDO:0016419, OMIM 114480. Disease mechanism: loss of function.

Submission:

Labcorp Genetics (formerly Invitae), Labcorp
Classification: Uncertain significance for Familial cancer of breast. Last evaluated: 2018-04-09. Review status: criteria provided, single submitter. Criteria: Invitae Variant Classification Sherloc (09022015). Collection method: clinical testing. Allele origin: germline.
Comment: This sequence change replaces asparagine with lysine at codon 1179 of the PALB2 protein (p.Asn1179Lys). The asparagine residue is moderately conserved and there is a moderate physicochemical difference between asparagine and lysine. This variant is not present in population databases (ExAC no frequency). This variant has not been reported in the literature in individuals with PALB2-related disease. Algorithms developed to predict the effect of missense changes on protein structure and function do not agree on the potential impact of this missense change (SIFT: "Tolerated"; PolyPhen-2: "Possibly Damaging"; Align-GVGD: "Class C0"). In summary, the available evidence is currently insufficient to determine the role of this variant in disease. Therefore, it has been classified as a Variant of Uncertain Significance.

NM_024675.4(PALB2):c.3537T>A (p.Asn1179Lys)

Gene: PALB2 (partner and localizer of BRCA2; minus strand). Cytogenetic location: 16p12.2.
Variant type: single nucleotide variant.
Coding change: c.3537T>A on transcript NM_024675.4 (MANE Select); coding-DNA position 3537, T replaced by A.
Protein change: p.Asn1179Lys; replaces asparagine 1179 with lysine.
Molecular consequence: missense variant.
Genome position (GRCh38, 1-based): chr16:23,603,483, A>T on the plus strand (T>A on the coding strand, the complement: PALB2 is on the minus strand). VCF-style: chr16-23603483-A-T. GRCh37 (hg19) VCF-style: chr16-23614804-A-T.
Other names: short protein forms N1179K.
Identifiers: ClinVar variation 566710 (VCV000566710.9), dbSNP rs1567204943, ClinGen allele CA395137744.